The following is an entry in ClinVar:

ClinVar aggregate classification (germline): Uncertain significance (1 of 4 stars; one submission).

Conditions:
Inborn genetic diseases. Identifiers: MedGen C0950123, MeSH D030342.

Submission:

Ambry Genetics
Classification: Uncertain significance for Inborn genetic diseases. Last evaluated: 2025-10-02. Review status: criteria provided, single submitter. Criteria: Ambry Variant Classification Scheme 2023. Collection method: clinical testing. Allele origin: germline.
Comment: The p.L203V variant (also known as c.607C>G), located in coding exon 5 of the BMPR2 gene, results from a C to G substitution at nucleotide position 607. The leucine at codon 203 is replaced by valine, an amino acid with highly similar properties. This amino acid position is conserved. In addition, this alteration is predicted to be deleterious by in silico analysis. Based on the available evidence, the clinical significance of this variant remains unclear.

NM_001204.7(BMPR2):c.607C>G (p.Leu203Val)

Gene: BMPR2 (bone morphogenetic protein receptor type 2; plus strand). Cytogenetic location: 2q33.2.
Variant type: single nucleotide variant.
Coding change: c.607C>G on transcript NM_001204.7 (MANE Select); coding-DNA position 607, C replaced by G.
Protein change: p.Leu203Val; replaces leucine 203 with valine.
Molecular consequence: missense variant.
Genome position (GRCh38, 1-based): chr2:202,514,965, C>G. VCF-style: chr2-202514965-C-G. GRCh37 (hg19) VCF-style: chr2-203379688-C-G.
Other names: short protein forms L203V.
Identifiers: ClinVar variation 4597183 (VCV004597183.1).